The following is an entry in ClinVar:

ClinVar aggregate classification (germline): Pathogenic (1 of 4 stars; one submission).

Conditions:
Chromosome 2q32-q33 deletion syndrome (GLASS). Also called: 2q33.1 deletion syndrome; Glass syndrome. Identifiers: Orphanet 251019, MedGen C2676739, MONDO:0012864, OMIM 612313.

Submission:

Labcorp Genetics (formerly Invitae), Labcorp
Classification: Pathogenic for Chromosome 2q32-q33 deletion syndrome. Last evaluated: 2022-08-10. Review status: criteria provided, single submitter. Criteria: Invitae Variant Classification Sherloc (09022015). Collection method: clinical testing. Allele origin: germline.
Comment: For these reasons, this variant has been classified as Pathogenic. ClinVar contains an entry for this variant (Variation ID: 1411669). This sequence change creates a premature translational stop signal (p.Leu197Glufs*9) in the SATB2 gene. It is expected to result in an absent or disrupted protein product. Loss-of-function variants in SATB2 are known to be pathogenic (PMID: 25885067). This variant is not present in population databases (gnomAD no frequency). This variant has not been reported in the literature in individuals affected with SATB2-related conditions.

Literature cited by the submitters: PubMed 25885067.

NM_001172509.2(SATB2):c.588_595del (p.Leu197fs)

Gene: SATB2 (SATB homeobox 2; minus strand). Cytogenetic location: 2q33.1.
Variant type: Deletion.
Coding change: c.588_595del on transcript NM_001172509.2 (MANE Select); coding-DNA positions 588 to 595, 8 bases deleted (TCTCTCCC; older notation c.588_595delTCTCTCCC).
Protein change: p.Leu197fs; shifts the reading frame from leucine 197.
Molecular consequence: frameshift variant.
Genome position (GRCh38, 1-based): chr2:199,380,366-199,380,373, GGGAGAGA deleted on the plus strand (TCTCTCCC on the coding strand, the reverse complement: SATB2 is on the minus strand); deleting any 8 consecutive bases within chr2:199,380,366-199,380,376 gives the same sequence; the c. name uses the placement nearest the transcript's 3' end. VCF-style (leftmost placement, unchanged base first): chr2-199380365-TGGGAGAGA-T. GRCh37 (hg19) VCF-style: chr2-200245088-TGGGAGAGA-T.
Other names: c.588_595del, p.Leu197fs (NM_001172517.1, NM_015265.4); short protein forms L197fs.
Identifiers: ClinVar variation 1411669 (VCV001411669.6), dbSNP rs2105865785, ClinGen allele CA2573134303.